The following is an entry in ClinVar:

ClinVar aggregate classification (germline): Uncertain significance. Review status: criteria provided, multiple submitters, no conflicts (2 of 4 stars). 4 submissions from 4 submitters: Uncertain significance (4). Last evaluated 2025-11-07.

Conditions:
Hereditary cancer-predisposing syndrome. Also called: Hereditary Cancer Syndrome; Neoplastic Syndromes, Hereditary; Hereditary neoplastic syndrome; Tumor predisposition. Identifiers: Orphanet 140162, MedGen C0027672, MeSH D009386, MONDO:0015356.
Familial adenomatous polyposis 1 (FAP1). Also called: FAMILIAL ADENOMATOUS POLYPOSIS 1, ATTENUATED; POLYPOSIS, ADENOMATOUS INTESTINAL. Identifiers: MedGen C2713442, MONDO:0021056, OMIM 175100. Disease mechanism: loss of function.
Classic or attenuated familial adenomatous polyposis. Identifiers: MedGen CN372698, MONDO:0021057.

Allele frequency attached by ClinVar (database versions not stated): gnomAD exomes below 0.00001; ExAC 0.00001.
gnomAD v4.1: 3 of 1,612,082 alleles (0.00019%); highest among the groups gnomAD compares: Non-Finnish European, 0.00025%; no homozygotes.

Submissions (4):

Ambry Genetics
Classification: Uncertain significance for Hereditary cancer-predisposing syndrome. Last evaluated: 2025-11-07. Review status: criteria provided, single submitter. Criteria: Ambry Variant Classification Scheme 2023. Collection method: clinical testing. Allele origin: germline.
Comment: The p.G2187R variant (also known as c.6559G>C), located in coding exon 15 of the APC gene, results from a G to C substitution at nucleotide position 6559. The glycine at codon 2187 is replaced by arginine, an amino acid with dissimilar properties. This amino acid position is well conserved in available vertebrate species. In addition, in silico predictors for this gene do not accurately predict pathogenicity. Since supporting evidence is limited at this time, the clinical significance of this alteration remains unclear.

Color Diagnostics, LLC DBA Color Health
Classification: Uncertain significance for Hereditary cancer-predisposing syndrome. Last evaluated: 2025-09-01. Review status: criteria provided, single submitter. Criteria: ACMG Guidelines, 2015. Collection method: clinical testing. Allele origin: germline.
Comment: This missense variant replaces glycine with arginine at codon 2187 of the APC protein. Computational prediction suggests that this variant may not impact protein structure and function. To our knowledge, functional studies have not been reported for this variant. This variant has not been reported in individuals affected with APC-related disorders in the literature. This variant has been identified in 1/248998 chromosomes in the general population by the Genome Aggregation Database (gnomAD). The available evidence is insufficient to determine the role of this variant in disease conclusively. Therefore, this variant is classified as a Variant of Uncertain Significance.

Labcorp Genetics (formerly Invitae), Labcorp
Classification: Uncertain significance for Familial adenomatous polyposis 1. Last evaluated: 2025-04-07. Review status: criteria provided, single submitter. Criteria: Invitae Variant Classification Sherloc (09022015). Collection method: clinical testing. Allele origin: germline.
Comment: This sequence change replaces glycine, which is neutral and non-polar, with arginine, which is basic and polar, at codon 2187 of the APC protein (p.Gly2187Arg). This variant is present in population databases (rs762346476, gnomAD 0.0009%). This variant has not been reported in the literature in individuals affected with APC-related conditions. ClinVar contains an entry for this variant (Variation ID: 428164). Invitae Evidence Modeling of protein sequence and biophysical properties (such as structural, functional, and spatial information, amino acid conservation, physicochemical variation, residue mobility, and thermodynamic stability) indicates that this missense variant is not expected to disrupt APC protein function with a negative predictive value of 95%. In summary, the available evidence is currently insufficient to determine the role of this variant in disease. Therefore, it has been classified as a Variant of Uncertain Significance.

All of Us Research Program, National Institutes of Health
Classification: Uncertain significance for Classic or attenuated familial adenomatous polyposis. Last evaluated: 2024-01-08. Review status: criteria provided, single submitter. Criteria: ACMG Guidelines, 2015. Collection method: clinical testing. Allele origin: germline. Inheritance: Autosomal dominant inheritance. Observed: 1 variant allele, 1 heterozygote.
Comment: This missense variant replaces glycine with arginine at codon 2187 of the APC protein. Computational prediction suggests that this variant may not impact protein structure and function (internally defined REVEL score threshold <= 0.5, PMID: 27666373). To our knowledge, functional studies have not been reported for this variant. This variant has not been reported in individuals affected with APC-related disorders in the literature. This variant has been identified in 1/248998 chromosomes in the general population by the Genome Aggregation Database (gnomAD). The available evidence is insufficient to determine the role of this variant in disease conclusively. Therefore, this variant is classified as a Variant of Uncertain Significance.

This study involves interpretation of variants in research participants for the purpose of population health screening. Participant phenotype was not available at the time of variant classification. Additional details can be found in publication PMID: 35346344, PMCID: PMC8962531

NM_000038.6(APC):c.6559G>C (p.Gly2187Arg)

Gene: APC (APC regulator of Wnt signaling pathway; plus strand). Cytogenetic location: 5q22.2.
Variant type: single nucleotide variant.
Coding change: c.6559G>C on transcript NM_000038.6 (MANE Select); coding-DNA position 6559, G replaced by C.
Protein change: p.Gly2187Arg; replaces glycine 2187 with arginine.
Molecular consequence: missense variant.
Genome position (GRCh38, 1-based): chr5:112,842,153, G>C. VCF-style: chr5-112842153-G-C. GRCh37 (hg19) VCF-style: chr5-112177850-G-C.
Other names: c.6181G>C, p.Gly2061Arg (NM_001354904.2); c.6079G>C, p.Gly2027Arg (NM_001354905.2); c.5710G>C, p.Gly1904Arg (NM_001354906.2); c.6559G>C, p.Gly2187Arg (NM_001127510.3, NM_001354895.2); c.6505G>C, p.Gly2169Arg (NM_001127511.3); c.6613G>C, p.Gly2205Arg (NM_001354896.2); c.6589G>C, p.Gly2197Arg (NM_001354897.2); c.6484G>C, p.Gly2162Arg (NM_001354898.2); and 5 more; short protein forms G2169R, G2187R, G1904R, G2086R, G2159R, G2197R, G2096R, G2061R.
Identifiers: ClinVar variation 428164 (VCV000428164.54), dbSNP rs762346476, ClinGen allele CA045337.